The following is an entry in ClinVar:

NM_024669.3(ANKRD55):c.1617T>C (p.His539=)

Gene: ANKRD55 (ankyrin repeat domain 55; minus strand). Cytogenetic location: 5q11.2.
Variant type: single nucleotide variant.
Coding change: c.1617T>C on transcript NM_024669.3 (MANE Select); coding-DNA position 1617, T replaced by C.
Protein change: p.His539=; no amino-acid change (histidine 539 retained).
Molecular consequence: synonymous variant.
Genome position (GRCh38, 1-based): chr5:56,111,131, A>G on the plus strand (T>C on the coding strand, the complement: ANKRD55 is on the minus strand). VCF-style: chr5-56111131-A-G. GRCh37 (hg19) VCF-style: chr5-55406958-A-G.
Identifiers: ClinVar variation 3389145 (VCV003389145.14).

ClinVar aggregate classification (germline): Likely benign (1 of 4 stars; one submission).

gnomAD v4.1: 39 of 1,613,422 alleles (0.0024%); highest among the groups gnomAD compares: Admixed American, 0.057%; no homozygotes.

Submission:

CeGaT Center for Human Genetics Tuebingen
Classification: Likely benign. Last evaluated: 2024-09-01. Review status: criteria provided, single submitter. Criteria: CeGaT Center For Human Genetics Tuebingen Variant Classification Criteria Version 2. Collection method: clinical testing. Allele origin: germline. Affected: yes. Observed: 1 variant allele.
Comment: ANKRD55: BP4, BP7